The following is an entry in ClinVar:

NM_014712.3(SETD1A):c.34G>A (p.Ala12Thr)

Gene: SETD1A (SET domain containing 1A, histone lysine methyltransferase; plus strand). Cytogenetic location: 16p11.2.
Variant type: single nucleotide variant.
Coding change: c.34G>A on transcript NM_014712.3 (MANE Select); coding-DNA position 34, G replaced by A.
Protein change: p.Ala12Thr; replaces alanine 12 with threonine.
Molecular consequence: missense variant.
Genome position (GRCh38, 1-based): chr16:30,958,765, G>A. VCF-style: chr16-30958765-G-A. GRCh37 (hg19) VCF-style: chr16-30970086-G-A.
Other names: short protein forms A12T.
Identifiers: ClinVar variation 3160590 (VCV003160590.3), dbSNP rs768569926, ClinGen allele CA8016266.

ClinVar aggregate classification (germline): Conflicting classifications of pathogenicity. Review status: criteria provided, conflicting classifications (1 of 4 stars). 3 submissions from 3 submitters: Uncertain significance (2); Likely benign (1). Last evaluated 2026-04-08.

Conditions:
Neurodevelopmental disorder with speech impairment and dysmorphic facies. Identifiers: MedGen C5436699, MONDO:0033630, OMIM 619056.
Inborn genetic diseases. Identifiers: MedGen C0950123, MeSH D030342.

Allele frequency attached by ClinVar (database versions not stated): ExAC 0.00001; gnomAD exomes 0.00001; TOPMed 0.00001; gnomAD 0.00002.

Submissions (3):

Centre for Medical Genetics,  Mumbai
Classification: Likely benign for Neurodevelopmental disorder with speech impairment and dysmorphic facies. Last evaluated: 2026-04-08. Review status: criteria provided, single submitter. Criteria: ACMG Guidelines, 2015. Collection method: provider interpretation. Allele origin: germline. Inheritance: Autosomal dominant inheritance. Affected: no. Observed: 1 variant allele, 1 homozygote.
Comment: The variant satisfies PM2 criteria - extremely low frequency in gnomAD population databases. However, the variant satisfies BS2 criteria - present in homozygous state in an individual that clinically does not have Neurodevelopmental disorder with speech impairment and dysmorphic facies.

Ambry Genetics
Classification: Uncertain significance for Inborn genetic diseases. Last evaluated: 2024-01-08. Review status: criteria provided, single submitter. Criteria: Ambry Variant Classification Scheme 2023. Collection method: clinical testing. Allele origin: germline.

Blueprint Genetics
Classification: Uncertain significance. Last evaluated: 2021-05-07. Review status: criteria provided, single submitter. Criteria: ACMG Guidelines, 2015. Collection method: clinical testing. Allele origin: germline.

Literature cited by the submitters: PubMed 32346159 (cited by Centre for Medical Genetics,  Mumbai).